The following is an entry in ClinVar:

ClinVar aggregate classification (germline): Uncertain significance (1 of 4 stars; one submission).

Submission:

Labcorp Genetics (formerly Invitae), Labcorp
Classification: Uncertain significance. Last evaluated: 2023-07-03. Review status: criteria provided, single submitter. Criteria: Invitae Variant Classification Sherloc (09022015). Collection method: clinical testing. Allele origin: germline.
Comment: In summary, the available evidence is currently insufficient to determine the role of this variant in disease. Therefore, it has been classified as a Variant of Uncertain Significance. Advanced modeling of protein sequence and biophysical properties (such as structural, functional, and spatial information, amino acid conservation, physicochemical variation, residue mobility, and thermodynamic stability) performed at Invitae indicates that this missense variant is not expected to disrupt ADGRV1 protein function. ClinVar contains an entry for this variant (Variation ID: 1471440). This variant has not been reported in the literature in individuals affected with ADGRV1-related conditions. This variant is not present in population databases (gnomAD no frequency). This sequence change replaces glutamic acid, which is acidic and polar, with glycine, which is neutral and non-polar, at codon 2366 of the ADGRV1 protein (p.Glu2366Gly).

NM_032119.4(ADGRV1):c.7097A>G (p.Glu2366Gly)

Gene: ADGRV1 (adhesion G protein-coupled receptor V1; plus strand). Cytogenetic location: 5q14.3.
Variant type: single nucleotide variant.
Coding change: c.7097A>G on transcript NM_032119.4 (MANE Select); coding-DNA position 7097, A replaced by G.
Protein change: p.Glu2366Gly; replaces glutamic acid 2366 with glycine.
Molecular consequence: missense variant. On other transcripts: non-coding transcript variant (1).
Genome position (GRCh38, 1-based): chr5:90,692,750, A>G. VCF-style: chr5-90692750-A-G. GRCh37 (hg19) VCF-style: chr5-89988567-A-G.
Other names: short protein forms E2366G.
Identifiers: ClinVar variation 1471440 (VCV001471440.8), dbSNP rs2149632686, ClinGen allele CA360371799.